The following is an entry in ClinVar:

NM_004260.4(RECQL4):c.1896G>A (p.Met632Ile)

Gene: RECQL4 (RecQ like helicase 4; minus strand). Cytogenetic location: 8q24.3.
Variant type: single nucleotide variant.
Coding change: c.1896G>A on transcript NM_004260.4 (MANE Select); coding-DNA position 1896, G replaced by A.
Protein change: p.Met632Ile; replaces methionine 632 with isoleucine.
Molecular consequence: missense variant.
Genome position (GRCh38, 1-based): chr8:144,514,090, C>T on the plus strand (G>A on the coding strand, the complement: RECQL4 is on the minus strand). VCF-style: chr8-144514090-C-T. GRCh37 (hg19) VCF-style: chr8-145739474-C-T.
Other names: c.1896G>A (NM_004260.3); short protein forms M632I.
Identifiers: ClinVar variation 1374634 (VCV001374634.7), dbSNP rs1827792863, ClinGen allele CA372680534.

ClinVar aggregate classification (germline): Uncertain significance. Review status: criteria provided, multiple submitters, no conflicts (2 of 4 stars). 2 submissions from 2 submitters: Uncertain significance (2). Last evaluated 2025-03-31.

Conditions:
Baller-Gerold syndrome (BGS). Also called: CRANIOSYNOSTOSIS WITH RADIAL DEFECTS. Identifiers: Orphanet 1225, MedGen C0265308, MONDO:0009039, OMIM 218600.
Inborn genetic diseases. Identifiers: MedGen C0950123, MeSH D030342.

Submissions (2):

Ambry Genetics
Classification: Uncertain significance for Inborn genetic diseases. Last evaluated: 2025-03-31. Review status: criteria provided, single submitter. Criteria: Ambry Variant Classification Scheme 2023. Collection method: clinical testing. Allele origin: germline.
Comment: The p.M632I variant (also known as c.1896G>A), located in coding exon 12 of the RECQL4 gene, results from a G to A substitution at nucleotide position 1896. The methionine at codon 632 is replaced by isoleucine, an amino acid with highly similar properties. This amino acid position is conserved. In addition, this alteration is predicted to be tolerated by in silico analysis. Based on the available evidence, the clinical significance of this variant remains unclear.

Labcorp Genetics (formerly Invitae), Labcorp
Classification: Uncertain significance for Baller-Gerold syndrome. Last evaluated: 2021-07-15. Review status: criteria provided, single submitter. Criteria: Invitae Variant Classification Sherloc (09022015). Collection method: clinical testing. Allele origin: germline.
Comment: In summary, the available evidence is currently insufficient to determine the role of this variant in disease. Therefore, it has been classified as a Variant of Uncertain Significance. Experimental studies and prediction algorithms are not available or were not evaluated, and the functional significance of this variant is currently unknown. This variant has not been reported in the literature in individuals with RECQL4-related conditions. This variant is not present in population databases (ExAC no frequency). This sequence change replaces methionine with isoleucine at codon 632 of the RECQL4 protein (p.Met632Ile). The methionine residue is moderately conserved and there is a small physicochemical difference between methionine and isoleucine.